The following is an entry in ClinVar:

NM_001370466.1(NOD2):c.1828_1846del (p.Asn610fs)

Gene: NOD2 (nucleotide binding oligomerization domain containing 2; plus strand). Cytogenetic location: 16q12.1.
Variant type: Deletion.
Coding change: c.1828_1846del on transcript NM_001370466.1 (MANE Select); coding-DNA positions 1828 to 1846, 19 bases deleted (AACTCACCAATGGCCAGGC).
Protein change: p.Asn610fs; shifts the reading frame from asparagine 610.
Molecular consequence: frameshift variant. On other transcripts: non-coding transcript variant (1).
Genome position (GRCh38, 1-based): chr16:50,711,820-50,711,838, AACTCACCAATGGCCAGGC deleted; deleting any 19 consecutive bases within chr16:50,711,812-50,711,838 gives the same sequence; the c. name uses the placement nearest the transcript's 3' end. VCF-style (leftmost placement, unchanged base first): chr16-50711811-AGGCCAGGCAACTCACCAAT-A. GRCh37 (hg19) VCF-style: chr16-50745722-AGGCCAGGCAACTCACCAAT-A.
Other names: c.1828_1846del, p.Asn610fs (NM_001293557.2); c.1909_1927del, p.Asn637fs (NM_022162.3); short protein forms N610fs, N637fs.
Identifiers: ClinVar variation 859056 (VCV000859056.18), dbSNP rs745991254, ClinGen allele CA8051641.

ClinVar aggregate classification (germline): Conflicting classifications of pathogenicity. Review status: criteria provided, conflicting classifications (1 of 4 stars). 4 submissions from 4 submitters: Likely pathogenic (1); Uncertain significance (3). Last evaluated 2024-10-25.

Conditions:
Blau syndrome (BLAUS). Also called: GRANULOMATOSIS, FAMILIAL JUVENILE SYSTEMIC; GRANULOMATOSIS, FAMILIAL, BLAU TYPE; GRANULOMATOUS INFLAMMATORY ARTHRITIS, DERMATITIS, AND UVEITIS, FAMILIAL; JABS SYNDROME; ARTHROCUTANEOUVEAL GRANULOMATOSIS. Identifiers: Orphanet 90340, MedGen C5201146, MONDO:0008523, OMIM 186580.
Regional enteritis. Also called: Enteritis, Granulomatous. Identifiers: MedGen C0678202, MeSH D003424.

Submissions (4):

Human Genetics Bochum, Ruhr University Bochum
Classification: Likely pathogenic for Blau syndrome. Last evaluated: 2024-10-25. Review status: criteria provided, single submitter. Criteria: ACMG Guidelines, 2015. Collection method: clinical testing. Allele origin: germline. Affected: yes.
Comment: ACMG criteria used to clasify this variant: PVS1, PM2_SUP

Labcorp Genetics (formerly Invitae), Labcorp
Classification: Uncertain significance for Regional enteritis; Blau syndrome. Last evaluated: 2024-02-20. Review status: criteria provided, single submitter. Criteria: Invitae Variant Classification Sherloc (09022015). Collection method: clinical testing. Allele origin: germline.
Comment: This sequence change creates a premature translational stop signal (p.Asn637Serfs*120) in the NOD2 gene. It is expected to result in an absent or disrupted protein product. However, the current clinical and genetic evidence is not sufficient to establish whether loss-of-function variants in NOD2 cause disease. This variant is present in population databases (rs745991254, gnomAD 0.002%). This variant has not been reported in the literature in individuals affected with NOD2-related conditions. ClinVar contains an entry for this variant (Variation ID: 859056). In summary, the available evidence is currently insufficient to determine the role of this variant in disease. Therefore, it has been classified as a Variant of Uncertain Significance.

Blueprint Genetics
Classification: Uncertain significance. Last evaluated: 2021-02-25. Review status: criteria provided, single submitter. Criteria: ACMG Guidelines, 2015. Collection method: clinical testing. Allele origin: germline.

ARUP Laboratories, Molecular Genetics and Genomics, ARUP Laboratories
Classification: Uncertain significance. Last evaluated: 2020-02-14. Review status: criteria provided, single submitter. Criteria: ARUP Molecular Germline Variant Investigation Process. Collection method: clinical testing. Allele origin: germline.